The following is an entry in ClinVar:

NM_015935.5(METTL13):c.966A>G (p.Lys322=)

Gene: METTL13 (methyltransferase 13, eEF1A N-terminus and K55; plus strand). Cytogenetic location: 1q24.3.
Variant type: single nucleotide variant.
Coding change: c.966A>G on transcript NM_015935.5 (MANE Select); coding-DNA position 966, A replaced by G.
Protein change: p.Lys322=; no amino-acid change (lysine 322 retained).
Molecular consequence: synonymous variant.
Genome position (GRCh38, 1-based): chr1:171,785,931, A>G. VCF-style: chr1-171785931-A-G. GRCh37 (hg19) VCF-style: chr1-171755071-A-G.
Other names: c.498A>G, p.Lys166= (NM_001007239.2); c.708A>G, p.Lys236= (NM_014955.3).
Identifiers: ClinVar variation 3055433 (VCV003055433.2), dbSNP rs17650204, ClinGen allele CA1244761.

ClinVar aggregate classification (germline): Benign (0 of 4 stars; one submission).

Conditions:
METTL13-related disorder. Also called: METTL13-related condition.

Allele frequency attached by ClinVar (database versions not stated): 1000 Genomes Project 30x 0.03217; 1000 Genomes Project 0.03295; TOPMed 0.06347; gnomAD 0.07156; ESP Exome Variant Server 0.07512; ExAC 0.07911; gnomAD exomes 0.09180.
gnomAD v4.1: 144,626 of 1,613,564 alleles (9%); highest among the groups gnomAD compares: Non-Finnish European, 10%; 7,372 homozygotes.

Submission:

PreventionGenetics, part of Exact Sciences
Classification: Benign for METTL13-related condition. Last evaluated: 2019-04-11. Review status: no assertion criteria provided. Collection method: clinical testing. Allele origin: germline.
Comment: This variant is classified as benign based on ACMG/AMP sequence variant interpretation guidelines (Richards et al. 2015 PMID: 25741868, with internal and published modifications).